The following is an entry in ClinVar:

ClinVar aggregate classification (germline): Conflicting classifications of pathogenicity. Review status: criteria provided, conflicting classifications (1 of 4 stars). 2 submissions from 2 submitters: Uncertain significance (1); Likely benign (1). Last evaluated 2019-06-28.

Conditions:
Arthrogryposis multiplex congenita (AMC). Also called: Guérin-Stern syndrome; Congenital multiple arthrogryposis; Fibrous ankylosis of multiple joints; Congenital arthromyodysplasia; Myodystrophia fetalis deformans; Otto syndrome. Identifiers: Orphanet 1037, MedGen C5779613, MeSH D001176, MONDO:0015168, HP:0002804.
Fetal akinesia deformation sequence 1 (FADS1). Also called: Fetal akinesia sequence; Pena-Shokeir syndrome type I. Identifiers: Orphanet 994, MedGen C1276035, MONDO:0100101, OMIM 208150, HP:0001989.

Allele frequency attached by ClinVar (database versions not stated): ExAC 0.00001; TOPMed 0.00002; gnomAD 0.00001; gnomAD exomes 0.00002.

Submissions (2):

Cirak Lab, University Hospital Cologne
Classification: Uncertain significance for Arthrogryposis multiplex congenita; Fetal akinesia sequence. Last evaluated: 2019-06-28. Review status: criteria provided, single submitter. Criteria: ACMG Guidelines, 2015. Collection method: research. Allele origin: inherited. Affected: yes. Observed: 1 variant allele.

GeneDx
Classification: Likely benign. Last evaluated: 2019-03-18. Review status: criteria provided, single submitter. Criteria: GeneDx Variant Classification Process June 2021. Collection method: clinical testing. Allele origin: germline. Affected: yes.
Comment: See Variant Classification Assertion Criteria.

Literature cited by the submitters: PubMed 31680123 (cited by Cirak Lab, University Hospital Cologne).

NM_001032283.3(TMPO):c.993G>A (p.Val331=)

Gene: TMPO (thymopoietin; plus strand). Cytogenetic location: 12q23.1.
Variant type: single nucleotide variant.
Coding change: c.993G>A on transcript NM_001032283.3 (MANE Select); coding-DNA position 993, G replaced by A.
Protein change: p.Val331=; no amino-acid change (valine 331 retained).
Molecular consequence: synonymous variant.
Genome position (GRCh38, 1-based): chr12:98,546,361, G>A. VCF-style: chr12-98546361-G-A. GRCh37 (hg19) VCF-style: chr12-98940139-G-A.
Other names: c.666G>A, p.Val222= (NM_001032284.3); c.873G>A, p.Val291= (NM_001307975.2).
Identifiers: ClinVar variation 692313 (VCV000692313.3), dbSNP rs770195100, ClinGen allele CA6732685.